The following is an entry in ClinVar:

ClinVar aggregate classification (germline): Conflicting classifications of pathogenicity. Review status: criteria provided, conflicting classifications (1 of 4 stars). 7 submissions from 7 submitters: Uncertain significance (6); Likely benign (1). Last evaluated 2025-12-26.

Conditions:
Hereditary breast ovarian cancer syndrome. Also called: Hereditary breast and ovarian cancer syndrome; Hereditary breast and ovarian cancer syndrome (HBOC); BRCA1- and BRCA2-Associated Hereditary Breast and Ovarian Cancer; Breast and ovarian cancer; Hereditary breast and ovarian cancer; Hereditary breast and/or ovarian cancer syndrome. Identifiers: Orphanet 145, MedGen C0677776, MeSH D061325, MONDO:0003582. Disease mechanism: loss of function.
Familial cancer of breast. Also called: BREAST CANCER, FAMILIAL; Hereditary breast cancer; hereditary breast carcinoma. Identifiers: Orphanet 227535, MedGen C0346153, MONDO:0016419, OMIM 114480. Disease mechanism: loss of function.
Fanconi anemia, complementation group S (FANCS). Identifiers: MedGen C4554406, MONDO:0054748, OMIM 617883.
Breast-ovarian cancer, familial, susceptibility to, 1 (BROVCA1). Also called: OVARIAN CANCER, SUSCEPTIBILITY TO; BRCA1 Hereditary Breast and Ovarian Cancer. Identifiers: Orphanet 145, MedGen C2676676, MONDO:0011450, OMIM 604370. Disease mechanism: loss of function.
Hereditary cancer-predisposing syndrome. Also called: Hereditary Cancer Syndrome; Hereditary neoplastic syndrome; Tumor predisposition; Neoplastic Syndromes, Hereditary. Identifiers: Orphanet 140162, MedGen C0027672, MeSH D009386, MONDO:0015356.

Allele frequency attached by ClinVar (database versions not stated): gnomAD exomes below 0.00001; TOPMed below 0.00001; ExAC 0.00001; gnomAD 0.00001; 1000 Genomes Project 30x 0.00016; 1000 Genomes Project 0.00020.

Submissions (7):

Labcorp Genetics (formerly Invitae), Labcorp
Classification: Uncertain significance for Hereditary breast ovarian cancer syndrome. Last evaluated: 2025-12-26. Review status: criteria provided, single submitter. Criteria: Invitae Variant Classification Sherloc (09022015). Collection method: clinical testing. Allele origin: germline.
Comment: This sequence change replaces phenylalanine, which is neutral and non-polar, with tyrosine, which is neutral and polar, at codon 228 of the BRCA1 protein (p.Phe228Tyr). This variant is present in population databases (rs191872612, gnomAD 0.007%). This variant has not been reported in the literature in individuals affected with BRCA1-related conditions. ClinVar contains an entry for this variant (Variation ID: 186506). Invitae Evidence Modeling of protein sequence and biophysical properties (such as structural, functional, and spatial information, amino acid conservation, physicochemical variation, residue mobility, and thermodynamic stability) indicates that this missense variant is expected to disrupt BRCA1 protein function with a positive predictive value of 80%. In summary, the available evidence is currently insufficient to determine the role of this variant in disease. Therefore, it has been classified as a Variant of Uncertain Significance.

Quest Diagnostics Nichols Institute San Juan Capistrano
Classification: Uncertain significance. Last evaluated: 2025-09-10. Review status: criteria provided, single submitter. Criteria: Quest Diagnostics criteria. Collection method: clinical testing. Allele origin: unknown.
Comment: The BRCA1 c.683T>A (p.Phe228Tyr) variant has been reported in the published literature to be located in a region of the BRCA1 gene that is tolerant to missense sequence changes (PMID: 31911673 (2020)). To the best of our knowledge, this variant has not been reported in individuals with BRCA1-related disorders. The frequency of this variant in the general population (Genome Aggregation Database) is uninformative in the assessment of its pathogenicity. Analysis of this variant using bioinformatics tools for the prediction of the effect of amino acid changes on protein structure and function yielded conflicting predictions that this variant is benign or damaging. Based on the available information, we are unable to determine the clinical significance of this variant.

Ambry Genetics
Classification: Uncertain significance for Hereditary cancer-predisposing syndrome. Last evaluated: 2025-02-28. Review status: criteria provided, single submitter. Criteria: Ambry Variant Classification Scheme 2023. Collection method: clinical testing. Allele origin: germline.
Comment: The p.F228Y variant (also known as c.683T>A), located in coding exon 9 of the BRCA1 gene, results from a T to A substitution at nucleotide position 683. The phenylalanine at codon 228 is replaced by tyrosine, an amino acid with highly similar properties. This amino acid position is well conserved in available vertebrate species. In addition, this alteration is predicted to be deleterious by in silico analysis. Since supporting evidence is limited at this time, the clinical significance of this alteration remains unclear.

University of Washington Department of Laboratory Medicine, University of Washington
Classification: Likely benign for Hereditary cancer-predisposing syndrome. Last evaluated: 2023-03-23. Review status: criteria provided, single submitter. Criteria: Dines et al. (Genet Med. 2020). Collection method: curation. Allele origin: germline.
Comment: Missense variant in a coldspot region where missense variants are very unlikely to be pathogenic (PMID:31911673).

BRCA1 coldspot (exon 11 using historical exon numbering). Reclassification based on statistical prior probability

Department of Pathology and Laboratory Medicine, Sinai Health System
Classification: Uncertain significance for Familial cancer of breast; Breast-ovarian cancer, familial, susceptibility to, 1; Fanconi anemia, complementation group S. Last evaluated: 2021-06-18. Review status: criteria provided, single submitter. Criteria: ACMG Guidelines, 2015. Collection method: clinical testing. Allele origin: germline. Affected: yes.

Women's Health and Genetics/Laboratory Corporation of America, LabCorp
Classification: Uncertain significance. Last evaluated: 2021-01-12. Review status: criteria provided, single submitter. Criteria: LabCorp Variant Classification Summary - May 2015. Collection method: clinical testing. Allele origin: germline.
Comment: Variant summary: BRCA1 c.683T>A (p.Phe228Tyr) results in a conservative amino acid change in the encoded protein sequence. Three of five in-silico tools predict a benign effect of the variant on protein function. The variant allele was found at a frequency of 4.1e-06 in 246068 control chromosomes. The available data on variant occurrences in the general population are insufficient to allow any conclusion about variant significance. To our knowledge, no occurrence of c.683T>A in individuals affected with Hereditary Breast And Ovarian Cancer Syndrome and no experimental evidence demonstrating its impact on protein function have been reported. Three clinical diagnostic laboratories have submitted clinical-significance assessments for this variant to ClinVar after 2014 without evidence for independent evaluation. All laboratories classified the variant as uncertain significance. Based on the evidence outlined above, the variant was classified as uncertain significance.

Genetic Services Laboratory, University of Chicago
Classification: Uncertain significance. Last evaluated: 2016-11-23. Review status: criteria provided, single submitter. Criteria: ACMG Guidelines, 2015. Collection method: clinical testing. Allele origin: germline. Affected: no.

Literature cited by the submitters: PubMed 31911673 (cited by Quest Diagnostics Nichols Institute San Juan Capistrano).

NM_007294.4(BRCA1):c.683T>A (p.Phe228Tyr)

Gene: BRCA1 (BRCA1 DNA repair associated; minus strand). Cytogenetic location: 17q21.31.
Variant type: single nucleotide variant.
Coding change: c.683T>A on transcript NM_007294.4 (MANE Select); coding-DNA position 683, T replaced by A.
Protein change: p.Phe228Tyr; replaces phenylalanine 228 with tyrosine.
Molecular consequence: missense variant. On other transcripts: non-coding transcript variant (1).
Genome position (GRCh38, 1-based): chr17:43,094,848, A>T on the plus strand (T>A on the coding strand, the complement: BRCA1 is on the minus strand). VCF-style: chr17-43094848-A-T. GRCh37 (hg19) VCF-style: chr17-41246865-A-T.
Other names: c.539T>A, p.Phe180Tyr (NM_001407749.1, NM_001407838.1, NM_001407839.1 and 26 more transcripts); c.542T>A, p.Phe181Tyr (NM_001407750.1, NM_001407751.1, NM_001407752.1 and 43 more transcripts); c.470T>A, p.Phe157Tyr (NM_001407853.1, NM_001407894.1, NM_001407895.1 and 12 more transcripts); c.683T>A, p.Phe228Tyr (NM_001407854.1, NM_001407858.1, NM_001407859.1 and 54 more transcripts); c.680T>A, p.Phe227Tyr (NM_001407860.1, NM_001407861.1, NM_001407972.1 and 38 more transcripts); c.482T>A, p.Phe161Tyr (NM_001407862.1, NM_001408474.1, NM_001408476.1); c.560T>A, p.Phe187Tyr (NM_001407863.1, NM_001407919.1, NM_001407937.1 and 34 more transcripts); c.479T>A, p.Phe160Tyr (NM_001407874.1, NM_001407875.1, NM_001408475.1); and 14 more; short protein forms F228Y, F181Y, F100Y, F101Y, F180Y, F187Y, F202Y, F117Y.
Identifiers: ClinVar variation 186506 (VCV000186506.24), dbSNP rs191872612, ClinGen allele CA003812.
Genomic context (GRCh38, chr17:43,094,848, plus strand): 5'-GTGTTCAAATCATTATTACTGGGTTGATGATGTTCAGTATTTGTTACATCCGTCTCAGAA[A>T]ATTCACAAGCAGCTGAAAATATACAAAAATAACAAGGTACTCAAAAACTGAATTGTCATT-3'
Protein context (NP_009225.1, residues 218-238): LDSAKKAACE[Phe228Tyr]SETDVTNTEH